The following is an entry in ClinVar:

NM_000138.5(FBN1):c.1999A>T (p.Arg667Ter)

Gene: FBN1 (fibrillin 1; minus strand). Cytogenetic location: 15q21.1.
Variant type: single nucleotide variant.
Coding change: c.1999A>T on transcript NM_000138.5 (MANE Select); coding-DNA position 1999, A replaced by T.
Protein change: p.Arg667Ter; replaces arginine 667 with a stop codon.
Molecular consequence: nonsense.
Genome position (GRCh38, 1-based): chr15:48,503,901, T>A on the plus strand (A>T on the coding strand, the complement: FBN1 is on the minus strand). VCF-style: chr15-48503901-T-A. GRCh37 (hg19) VCF-style: chr15-48796098-T-A.
Other names: short protein forms R667*.
Identifiers: ClinVar variation 956219 (VCV000956219.7), dbSNP rs2043685929, ClinGen allele CA392338673.

ClinVar aggregate classification (germline): Pathogenic (1 of 4 stars; one submission).

Conditions:
Marfan syndrome (MFS). Also called: FBN1-Related Marfan Syndrome; MARFAN SYNDROME, TYPE I; Marfan syndrome type 1; Marfan's syndrome; Marfan syndrome, classic. Identifiers: Orphanet 284963, Orphanet 558, MedGen C0024796, MONDO:0007947, OMIM 154700.
Familial thoracic aortic aneurysm and aortic dissection (TAAD). Also called: Thoracic aortic aneurysms and dissections. Identifiers: Orphanet 91387, MedGen C4707243, MONDO:0019625.

Submission:

Labcorp Genetics (formerly Invitae), Labcorp
Classification: Pathogenic for Marfan syndrome; Familial thoracic aortic aneurysm and aortic dissection. Last evaluated: 2021-04-27. Review status: criteria provided, single submitter. Criteria: Invitae Variant Classification Sherloc (09022015). Collection method: clinical testing. Allele origin: germline.
Comment: This sequence change creates a premature translational stop signal (p.Arg667*) in the FBN1 gene. It is expected to result in an absent or disrupted protein product. Loss-of-function variants in FBN1 are known to be pathogenic (PMID: 17657824, 19293843). For these reasons, this variant has been classified as Pathogenic. Algorithms developed to predict the effect of sequence changes on RNA splicing suggest that this variant may create or strengthen a splice site, but this prediction has not been confirmed by published transcriptional studies. This variant has not been reported in the literature in individuals with FBN1-related conditions. ClinVar contains an entry for this variant (Variation ID: 956219). This variant is not present in population databases (ExAC no frequency).

Literature cited by the submitters: PubMed 17657824; PubMed 19293843.